The following is an entry in ClinVar:

ClinVar aggregate classification (germline): Uncertain significance (1 of 4 stars; one submission).

Conditions:
Fanconi anemia (FA). Also called: Fanconi's anemia. Identifiers: Orphanet 84, MedGen C0015625, MeSH D005199, MONDO:0019391.

Allele frequency attached by ClinVar (database versions not stated): ExAC 0.00001; gnomAD exomes 0.00001.
gnomAD v4.1: 3 of 1,612,936 alleles (0.00019%); highest among the groups gnomAD compares: East Asian, 0.0067%; no homozygotes.

Submission:

Labcorp Genetics (formerly Invitae), Labcorp
Classification: Uncertain significance for Fanconi anemia. Last evaluated: 2022-12-06. Review status: criteria provided, single submitter. Criteria: Invitae Variant Classification Sherloc (09022015). Collection method: clinical testing. Allele origin: germline.
Comment: This variant has not been reported in the literature in individuals affected with FANCL-related conditions. This variant is present in population databases (rs766758036, gnomAD 0.006%). This sequence change replaces serine, which is neutral and polar, with glycine, which is neutral and non-polar, at codon 348 of the FANCL protein (p.Ser348Gly). Advanced modeling of protein sequence and biophysical properties (such as structural, functional, and spatial information, amino acid conservation, physicochemical variation, residue mobility, and thermodynamic stability) performed at Invitae indicates that this missense variant is not expected to disrupt FANCL protein function. In summary, the available evidence is currently insufficient to determine the role of this variant in disease. Therefore, it has been classified as a Variant of Uncertain Significance.

NM_018062.4(FANCL):c.1042A>G (p.Ser348Gly)

Gene: FANCL (FA complementation group L; minus strand). Cytogenetic location: 2p16.1.
Variant type: single nucleotide variant.
Coding change: c.1042A>G on transcript NM_018062.4 (MANE Select); coding-DNA position 1042, A replaced by G.
Protein change: p.Ser348Gly; replaces serine 348 with glycine.
Molecular consequence: missense variant.
Genome position (GRCh38, 1-based): chr2:58,160,158, T>C on the plus strand (A>G on the coding strand, the complement: FANCL is on the minus strand). VCF-style: chr2-58160158-T-C. GRCh37 (hg19) VCF-style: chr2-58387293-T-C.
Other names: c.1057A>G, p.Ser353Gly (NM_001114636.2); c.1087A>G, p.Ser363Gly (NM_001374615.1); c.1102A>G, p.Ser368Gly (NM_001410792.1); short protein forms S348G, S353G, S363G, S368G.
Identifiers: ClinVar variation 2795842 (VCV002795842.3), dbSNP rs766758036, ClinGen allele CA1670324.
Genomic context (GRCh38, chr2:58,160,158, plus strand): 5'-ATTTGCTTACCTTACTACAATATGGACATTCACCAAATATGATGTTAAAACTCTGTCTAC[T>C]AGTTAGTAGTCCTCTCAGCCACTGCAAATTTTAAAAGATAAAGGAGAAGCGTCAGCATGA-3'
Protein context (NP_060532.2, residues 338-358): LYEWLRGLLT[Ser348Gly]RQSFNIIFGE